The following is an entry in ClinVar:

ClinVar aggregate classification (germline): Uncertain significance (1 of 4 stars; one submission).

Conditions:
Familial temporal lobe epilepsy 7. Identifiers: Orphanet 101046, MedGen C4225327, MONDO:0014639, OMIM 616436.

gnomAD v4.1: 1 of 1,614,150 alleles (0.000062%); highest among the groups gnomAD compares: East Asian, 0.0022%; no homozygotes.

Submission:

3billion
Classification: Uncertain significance for Familial temporal lobe epilepsy 7. Last evaluated: 2025-06-12. Review status: criteria provided, single submitter. Criteria: ACMG Guidelines, 2015. Collection method: clinical testing. Allele origin: germline. Affected: yes.
Comment: The variant is observed at an extremely low frequency in the gnomAD v4.1.0 dataset (total allele frequency: <0.001%). Predicted Consequence/Location: Intron variant In silico tools predict the variant to alter splicing and produce an abnormal transcript [SpliceAI: 0.29 (>=0.2, moderate evidence for spliceogenicity)]. Therefore, this variant is classified as VUS according to the recommendation of ACMG/AMP guideline.

NM_005045.4(RELN):c.9193+3A>G

Genes: RELN (reelin; minus strand), SLC26A5-AS1 (SLC26A5 antisense RNA 1; plus strand). Cytogenetic location: 7q22.1.
Variant type: single nucleotide variant.
Coding change: c.9193+3A>G on transcript NM_005045.4 (MANE Select); 3 bases into the intron after coding-DNA position 9193, A replaced by G.
Molecular consequence: intron variant.
Genome position (GRCh38, 1-based): chr7:103,496,523, T>C on the plus strand (A>G on the coding strand, the complement: RELN is on the minus strand). VCF-style: chr7-103496523-T-C. GRCh37 (hg19) VCF-style: chr7-103136970-T-C.
Other names: c.9193+3A>G (NM_173054.3).
Identifiers: ClinVar variation 4856275 (VCV004856275.1).
Genomic context (GRCh38, chr7:103,496,523, plus strand): 5'-CTGAAGACATAAGCAGAAAAATGGCTCACAGGAAAGAAAATTGTTCAATGTCTTGTTTCT[T>C]ACCATCATCAAAAGTGTCCACCAATTGGCTGGGATTGATTTCTGCTCCACCAATCAAAAT-3'